The following is an entry in ClinVar:

ClinVar aggregate classification (germline): Pathogenic (1 of 4 stars; one submission).

Conditions:
Intellectual developmental disorder, autosomal dominant 39. Also called: Intellectual disability, autosomal dominant 39; Mental retardation, autosomal dominant 39. Identifiers: MedGen C4225296, MONDO:0014678, OMIM 616521.

Submission:

Institute of Human Genetics, University of Goettingen
Classification: Pathogenic for Intellectual developmental disorder, autosomal dominant 39. Last evaluated: 2020-06-25. Review status: criteria provided, single submitter. Criteria: ACMG Guidelines, 2015. Collection method: clinical testing. Allele origin: de novo. Inheritance: Autosomal dominant inheritance. Affected: yes. Observed: 1 heterozygote.
Comment: ACMG criteria used for classification: PVS1, PS2, PM2

NM_001303052.2(MYT1L):c.351del (p.Asp119fs)

Gene: MYT1L (myelin transcription factor 1 like; minus strand). Cytogenetic location: 2p25.3.
Variant type: Deletion.
Coding change: c.351del on transcript NM_001303052.2 (MANE Select); coding-DNA position 351, one base deleted (A; older notation c.351delA).
Protein change: p.Asp119fs; shifts the reading frame from aspartic acid 119.
Molecular consequence: frameshift variant.
Genome position (GRCh38, 1-based): chr2:1,943,136, T deleted on the plus strand (A on the coding strand, the reverse complement: MYT1L is on the minus strand). VCF-style (leftmost placement, unchanged base first): chr2-1943135-CT-C. GRCh37 (hg19) VCF-style: chr2-1946907-CT-C.
Other names: c.351del, p.Asp119fs (NM_001329844.2, NM_001329845.1, NM_001329846.3 and 6 more transcripts); short protein forms D119fs.
Identifiers: ClinVar variation 977325 (VCV000977325.3), dbSNP rs2056843518, ClinGen allele CA1139656744.
Genomic context (GRCh38, chr2:1,943,135, plus strand): 5'-CCTCCTCGATCTCCTCCTCCTCCTCCCGGTCCCCCTCCTCGTCCTCCTCGTCCTCATCCC[CT>C]GGCTCATCATTGTCCTCGGAGTACTCCTCCCCCTCATCCTCCTCCTTCTCATCCATGTCC-3'